The following is an entry in ClinVar:

NM_173630.4(RTTN):c.1119A>C (p.Gln373His)

Gene: RTTN (rotatin; minus strand). Cytogenetic location: 18q22.2.
Variant type: single nucleotide variant.
Coding change: c.1119A>C on transcript NM_173630.4 (MANE Select); coding-DNA position 1119, A replaced by C.
Protein change: p.Gln373His; replaces glutamine 373 with histidine.
Molecular consequence: missense variant. On other transcripts: 5 prime UTR variant (1).
Genome position (GRCh38, 1-based): chr18:70,190,608, T>G on the plus strand (A>C on the coding strand, the complement: RTTN is on the minus strand). VCF-style: chr18-70190608-T-G. GRCh37 (hg19) VCF-style: chr18-67857844-T-G.
Other names: c.-1435A>C (NM_001318520.2); c.1119A>C (NM_173630.3); short protein forms Q373H.
Identifiers: ClinVar variation 1421004 (VCV001421004.7), dbSNP rs1003352207, ClinGen allele CA301956758.

ClinVar aggregate classification (germline): Uncertain significance. Review status: criteria provided, multiple submitters, no conflicts (2 of 4 stars). 2 submissions from 2 submitters: Uncertain significance (2). Last evaluated 2023-12-22.

Conditions:
Inborn genetic diseases. Identifiers: MedGen C0950123, MeSH D030342.

Allele frequency attached by ClinVar (database versions not stated): gnomAD exomes below 0.00001; gnomAD 0.00002; TOPMed 0.00007.
gnomAD v4.1: 4 of 1,613,682 alleles (0.00025%); highest among the groups gnomAD compares: Admixed American, 0.005%; no homozygotes.

Submissions (2):

Ambry Genetics
Classification: Uncertain significance for Inborn genetic diseases. Last evaluated: 2023-12-22. Review status: criteria provided, single submitter. Criteria: Ambry Variant Classification Scheme 2023. Collection method: clinical testing. Allele origin: germline.

Labcorp Genetics (formerly Invitae), Labcorp
Classification: Uncertain significance. Last evaluated: 2022-07-26. Review status: criteria provided, single submitter. Criteria: Invitae Variant Classification Sherloc (09022015). Collection method: clinical testing. Allele origin: germline.
Comment: In summary, the available evidence is currently insufficient to determine the role of this variant in disease. Therefore, it has been classified as a Variant of Uncertain Significance. Algorithms developed to predict the effect of missense changes on protein structure and function are either unavailable or do not agree on the potential impact of this missense change (SIFT: "Tolerated"; PolyPhen-2: "Possibly Damaging"; Align-GVGD: "Class C0"). ClinVar contains an entry for this variant (Variation ID: 1421004). This variant has not been reported in the literature in individuals affected with RTTN-related conditions. This variant is present in population databases (no rsID available, gnomAD 0.007%). This sequence change replaces glutamine, which is neutral and polar, with histidine, which is basic and polar, at codon 373 of the RTTN protein (p.Gln373His).